The following is an entry in ClinVar:

NM_003000.3(SDHB):c.703C>T (p.Gln235Ter)

Gene: SDHB (succinate dehydrogenase complex iron sulfur subunit B; minus strand). Cytogenetic location: 1p36.13.
Variant type: single nucleotide variant.
Coding change: c.703C>T on transcript NM_003000.3 (MANE Select); coding-DNA position 703, C replaced by T.
Protein change: p.Gln235Ter; replaces glutamine 235 with a stop codon.
Molecular consequence: nonsense.
Genome position (GRCh38, 1-based): chr1:17,022,670, G>A on the plus strand (C>T on the coding strand, the complement: SDHB is on the minus strand). VCF-style: chr1-17022670-G-A. GRCh37 (hg19) VCF-style: chr1-17349165-G-A.
Other names: c.649C>T, p.Gln217Ter (NM_001407361.1); short protein forms Q235*, Q217*.
Identifiers: ClinVar variation 2925288 (VCV002925288.3), dbSNP rs2525004018, ClinGen allele CA338270297.

ClinVar aggregate classification (germline): Pathogenic (1 of 4 stars; one submission).

Conditions:
Pheochromocytoma. Also called: MAX-Related Hereditary Paraganglioma-Pheochromocytoma Syndrome. Identifiers: Orphanet 29072, MedGen C0031511, MONDO:0008233, OMIM 171300, HP:0002666.
Gastrointestinal stromal tumor. Also called: Gastrointestinal stromal tumor, somatic; Gastrointestinal stroma tumor. Identifiers: Orphanet 44890, MedGen C0238198, MeSH D046152, MONDO:0011719, OMIM 606764, HP:0100723.
Pheochromocytoma/paraganglioma syndrome 4. Also called: CAROTID BODY TUMORS AND MULTIPLE EXTRAADRENAL PHEOCHROMOCYTOMAS; PARAGANGLIOMA, FAMILIAL MALIGNANT; PARAGANGLIOMAS, HEREDITARY EXTRAADRENAL; PHEOCHROMOCYTOMA, FAMILIAL EXTRAADRENAL; Paragangliomas 4; SDHB-Related Hereditary Paraganglioma-Pheochromocytoma Syndrome (Paragangliomas 4). Identifiers: Orphanet 29072, MedGen C1861848, MONDO:0007273, OMIM 115310.

Submission:

Labcorp Genetics (formerly Invitae), Labcorp
Classification: Pathogenic for Gastrointestinal stromal tumor; Pheochromocytoma/paraganglioma syndrome 4; Pheochromocytoma. Last evaluated: 2023-02-09. Review status: criteria provided, single submitter. Criteria: Invitae Variant Classification Sherloc (09022015). Collection method: clinical testing. Allele origin: germline.
Comment: This sequence change creates a premature translational stop signal (p.Gln235*) in the SDHB gene. It is expected to result in an absent or disrupted protein product. Loss-of-function variants in SDHB are known to be pathogenic (PMID: 19454582, 19802898). This variant is not present in population databases (gnomAD no frequency). This premature translational stop signal has been observed in individual(s) with paraganglioma-pheochromocytoma syndromes (PMID: 31492822). For these reasons, this variant has been classified as Pathogenic.

Literature cited by the submitters: PubMed 19454582; PubMed 19802898; PubMed 31492822.